The following is an entry in ClinVar:

ClinVar aggregate classification (germline): Uncertain significance (1 of 4 stars; one submission).

Allele frequency attached by ClinVar (database versions not stated): gnomAD exomes 0.00001; TOPMed 0.00001.
gnomAD v4.1: 3 of 1,211,776 alleles (0.00025%); highest among the groups gnomAD compares: Admixed American, 0.0043%; no homozygotes.

Submission:

Labcorp Genetics (formerly Invitae), Labcorp
Classification: Uncertain significance. Last evaluated: 2024-04-11. Review status: criteria provided, single submitter. Criteria: Invitae Variant Classification Sherloc (09022015). Collection method: clinical testing. Allele origin: germline.
Comment: This sequence change replaces glycine, which is neutral and non-polar, with valine, which is neutral and non-polar, at codon 105 of the AMER1 protein (p.Gly105Val). This variant is present in population databases (no rsID available, gnomAD 0.008%), including at least one homozygous and/or hemizygous individual. This variant has not been reported in the literature in individuals affected with AMER1-related conditions. An algorithm developed to predict the effect of missense changes on protein structure and function (PolyPhen-2) suggests that this variant is likely to be tolerated. In summary, the available evidence is currently insufficient to determine the role of this variant in disease. Therefore, it has been classified as a Variant of Uncertain Significance.

NM_152424.4(AMER1):c.314G>T (p.Gly105Val)

Gene: AMER1 (APC membrane recruitment protein 1; minus strand). Cytogenetic location: Xq11.2.
Variant type: single nucleotide variant.
Coding change: c.314G>T on transcript NM_152424.4 (MANE Select); coding-DNA position 314, G replaced by T.
Protein change: p.Gly105Val; replaces glycine 105 with valine.
Molecular consequence: missense variant.
Genome position (GRCh38, 1-based): chrX:64,192,973, C>A on the plus strand (G>T on the coding strand, the complement: AMER1 is on the minus strand). VCF-style: chrX-64192973-C-A. GRCh37 (hg19) VCF-style: chrX-63412853-C-A.
Other names: short protein forms G105V.
Identifiers: ClinVar variation 2801111 (VCV002801111.3), dbSNP rs1428526174, ClinGen allele CA413311693.